The following is an entry in ClinVar:

ClinVar aggregate classification (germline): Uncertain significance (1 of 4 stars; one submission).

Conditions:
Familial focal epilepsy with variable foci (FPEVF). Identifiers: Orphanet 98820, MedGen C1858477, MONDO:0020310.

Submission:

Labcorp Genetics (formerly Invitae), Labcorp
Classification: Uncertain significance for Familial focal epilepsy with variable foci. Last evaluated: 2019-01-26. Review status: criteria provided, single submitter. Criteria: Invitae Variant Classification Sherloc (09022015). Collection method: clinical testing. Allele origin: germline.
Comment: In summary, the available evidence is currently insufficient to determine the role of this variant in disease. Therefore, it has been classified as a Variant of Uncertain Significance. Algorithms developed to predict the effect of missense changes on protein structure and function are either unavailable or do not agree on the potential impact of this missense change (SIFT: "Tolerated"; PolyPhen-2: "Not Available"; Align-GVGD: "Class C0"). This variant has not been reported in the literature in individuals with DEPDC5-related conditions. This variant is not present in population databases (ExAC no frequency). This sequence change replaces arginine with glutamine at codon 874 of the DEPDC5 protein (p.Arg874Gln). The arginine residue is highly conserved and there is a small physicochemical difference between arginine and glutamine.

NM_001242896.3(DEPDC5):c.2621G>A (p.Arg874Gln)

Gene: DEPDC5 (DEP domain containing 5, GATOR1 subcomplex subunit; plus strand). Cytogenetic location: 22q12.3.
Variant type: single nucleotide variant.
Coding change: c.2621G>A on transcript NM_001242896.3 (MANE Select); coding-DNA position 2621, G replaced by A.
Protein change: p.Arg874Gln; replaces arginine 874 with glutamine.
Molecular consequence: missense variant. On other transcripts: non-coding transcript variant (5).
Genome position (GRCh38, 1-based): chr22:31,843,200, G>A. VCF-style: chr22-31843200-G-A. GRCh37 (hg19) VCF-style: chr22-32239186-G-A.
Other names: c.2594G>A, p.Arg865Gln (NM_001136029.4, NM_001369903.1, NM_014662.6); c.2387G>A, p.Arg796Gln (NM_001242897.2, NM_001363854.2, NM_001364319.2); c.2621G>A, p.Arg874Gln (NM_001363852.2, NM_001364318.2, NM_001364320.2); c.2537G>A, p.Arg846Gln (NM_001369901.1, NM_001369902.1); short protein forms R796Q, R846Q, R874Q, R865Q.
Identifiers: ClinVar variation 665964 (VCV000665964.10), dbSNP rs1602350746, ClinGen allele CA411289197.
Genomic context (GRCh38, chr22:31,843,200, plus strand): 5'-TGAGTATGGGCAGAACGTTCCACAAAGTGACGCTGAAGGATAAGATGATCACAGTGACGC[G>A]ATACCTTCCCAAGTGAGTATTTGGATATTTAAAGTCTTCAGTTATTGTCCTGAATTATGG-3'
Protein context (NP_001229825.1, residues 864-884): TLKDKMITVT[Arg874Gln]YLPKYPYESA